The following is an entry in ClinVar:

NM_001271938.2(MEGF8):c.4184C>T (p.Ser1395Phe)

Gene: MEGF8 (multiple EGF like domains 8; plus strand). Cytogenetic location: 19q13.2.
Variant type: single nucleotide variant.
Coding change: c.4184C>T on transcript NM_001271938.2 (MANE Select); coding-DNA position 4184, C replaced by T.
Protein change: p.Ser1395Phe; replaces serine 1395 with phenylalanine.
Molecular consequence: missense variant.
Genome position (GRCh38, 1-based): chr19:42,355,797, C>T. VCF-style: chr19-42355797-C-T. GRCh37 (hg19) VCF-style: chr19-42859949-C-T.
Other names: c.3983C>T, p.Ser1328Phe (NM_001410.3); short protein forms S1328F, S1395F.
Identifiers: ClinVar variation 571142 (VCV000571142.8), dbSNP rs1568568653, ClinGen allele CA406112483.

ClinVar aggregate classification (germline): Uncertain significance (1 of 4 stars; one submission).

Conditions:
MEGF8-related Carpenter syndrome. Also called: Carpenter syndrome 2. Identifiers: Orphanet 65759, MedGen C3554247, MONDO:0013998, OMIM 614976.

Submission:

Labcorp Genetics (formerly Invitae), Labcorp
Classification: Uncertain significance for MEGF8-related Carpenter syndrome. Last evaluated: 2018-04-28. Review status: criteria provided, single submitter. Criteria: Invitae Variant Classification Sherloc (09022015). Collection method: clinical testing. Allele origin: germline.
Comment: Algorithms developed to predict the effect of missense changes on protein structure and function do not agree on the potential impact of this missense change (SIFT: "Tolerated"; PolyPhen-2: "Probably Damaging"; Align-GVGD: "Class C0"). This variant has not been reported in the literature in individuals with MEGF8-related disease. This variant is not present in population databases (ExAC no frequency). This sequence change replaces serine with phenylalanine at codon 1328 of the MEGF8 protein (p.Ser1328Phe). The serine residue is moderately conserved and there is a large physicochemical difference between serine and phenylalanine. In summary, the available evidence is currently insufficient to determine the role of this variant in disease. Therefore, it has been classified as a Variant of Uncertain Significance.